The following is an entry in ClinVar:

ClinVar aggregate classification (germline): Uncertain significance (1 of 4 stars; one submission).

Conditions:
Hereditary cancer-predisposing syndrome. Also called: Tumor predisposition; Neoplastic Syndromes, Hereditary; Hereditary Cancer Syndrome; Hereditary neoplastic syndrome. Identifiers: Orphanet 140162, MedGen C0027672, MeSH D009386, MONDO:0015356.

Submission:

Ambry Genetics
Classification: Uncertain significance for Hereditary cancer-predisposing syndrome. Last evaluated: 2024-09-15. Review status: criteria provided, single submitter. Criteria: Ambry Variant Classification Scheme 2023. Collection method: clinical testing. Allele origin: germline.
Comment: The p.E137Q variant (also known as c.409G>C), located in coding exon 3 of the EPCAM gene, results from a G to C substitution at nucleotide position 409. The glutamic acid at codon 137 is replaced by glutamine, an amino acid with highly similar properties. This amino acid position is conserved. In addition, this alteration is predicted to be tolerated by in silico analysis. Based on the available evidence, the clinical significance of this variant remains unclear.

NM_002354.3(EPCAM):c.409G>C (p.Glu137Gln)

Gene: EPCAM (epithelial cell adhesion molecule; plus strand). Cytogenetic location: 2p21.
Variant type: single nucleotide variant.
Coding change: c.409G>C on transcript NM_002354.3 (MANE Select); coding-DNA position 409, G replaced by C.
Protein change: p.Glu137Gln; replaces glutamic acid 137 with glutamine.
Molecular consequence: missense variant.
Genome position (GRCh38, 1-based): chr2:47,374,032, G>C. VCF-style: chr2-47374032-G-C. GRCh37 (hg19) VCF-style: chr2-47601171-G-C.
Other names: short protein forms E137Q.
Identifiers: ClinVar variation 3509182 (VCV003509182.1).